The following is an entry in ClinVar:

NM_014989.7(RIMS1):c.747G>C (p.Gln249His)

Gene: RIMS1 (regulating synaptic membrane exocytosis 1; plus strand). Cytogenetic location: 6q13.
Variant type: single nucleotide variant.
Coding change: c.747G>C on transcript NM_014989.7 (MANE Select); coding-DNA position 747, G replaced by C.
Protein change: p.Gln249His; replaces glutamine 249 with histidine.
Molecular consequence: missense variant.
Genome position (GRCh38, 1-based): chr6:72,179,850, G>C. VCF-style: chr6-72179850-G-C. GRCh37 (hg19) VCF-style: chr6-72889553-G-C.
Other names: short protein forms Q249H.
Identifiers: ClinVar variation 4780111 (VCV004780111.1).
Genomic context (GRCh38, chr6:72,179,850, plus strand): 5'-CCAGGATGCTGCTCCTCCCAGCGCACCACCAGACAGGAGCAAAGGGGCTGAGCCCTCGCA[G>C]CAAGCCTTGGGGCCTGAACAGAAGCAGGCTTCATCCAGGTCTAGAAGTGAACCTCCTAGA-3'
Protein context (NP_055804.2, residues 239-259): PDRSKGAEPS[Gln249His]QALGPEQKQA

ClinVar aggregate classification (germline): Uncertain significance (1 of 4 stars; one submission).

gnomAD v4.1: 1 of 1,607,084 alleles (0.000062%); highest among the groups gnomAD compares: African/African-American, 0.0013%; no homozygotes.

Submission:

Labcorp Genetics (formerly Invitae), Labcorp
Classification: Uncertain significance. Last evaluated: 2025-03-04. Review status: criteria provided, single submitter. Criteria: Invitae Variant Classification Sherloc (09022015). Collection method: clinical testing. Allele origin: germline.
Comment: This sequence change replaces glutamine, which is neutral and polar, with histidine, which is basic and polar, at codon 249 of the RIMS1 protein (p.Gln249His). This variant is not present in population databases (gnomAD no frequency). This variant has not been reported in the literature in individuals affected with RIMS1-related conditions. An algorithm developed to predict the effect of missense changes on protein structure and function (PolyPhen-2) suggests that this variant is likely to be tolerated. In summary, the available evidence is currently insufficient to determine the role of this variant in disease. Therefore, it has been classified as a Variant of Uncertain Significance.